The following is an entry in ClinVar:

ClinVar aggregate classification (germline): Likely benign. Review status: criteria provided, single submitter (1 of 4 stars). 2 submissions from 2 submitters: Likely benign (1). 1 of the submissions does not count toward it. Last evaluated 2025-12-15.

Conditions:
LAMC3-related disorder. Also called: LAMC3-related condition.

Allele frequency attached by ClinVar (database versions not stated): gnomAD exomes 0.00010 and 0.00018; ExAC 0.00014; gnomAD 0.00017 and 0.00019; TOPMed 0.00028; 1000 Genomes Project 30x 0.00031; ESP Exome Variant Server 0.00038; 1000 Genomes Project 0.00040.
gnomAD v4.1: 177 of 1,613,132 alleles (0.011%); highest among the groups gnomAD compares: African/African-American, 0.053%; no homozygotes.

Submissions (2):

Labcorp Genetics (formerly Invitae), Labcorp
Classification: Likely benign. Last evaluated: 2025-12-15. Review status: criteria provided, single submitter. Criteria: Invitae Variant Classification Sherloc (09022015). Collection method: clinical testing. Allele origin: germline.

PreventionGenetics, part of Exact Sciences
Classification: Likely benign for LAMC3-related condition. Last evaluated: 2021-03-10. Review status: no assertion criteria provided. Collection method: clinical testing. Allele origin: germline. Not counted in ClinVar's aggregate classification.
Comment: This variant is classified as likely benign based on ACMG/AMP sequence variant interpretation guidelines (Richards et al. 2015 PMID: 25741868, with internal and published modifications).

NM_006059.4(LAMC3):c.1044C>T (p.His348=)

Gene: LAMC3 (laminin subunit gamma 3; plus strand). Cytogenetic location: 9q34.12.
Variant type: single nucleotide variant.
Coding change: c.1044C>T on transcript NM_006059.4 (MANE Select); coding-DNA position 1044, C replaced by T.
Protein change: p.His348=; no amino-acid change (histidine 348 retained).
Molecular consequence: synonymous variant.
Genome position (GRCh38, 1-based): chr9:131,038,931, C>T. VCF-style: chr9-131038931-C-T. GRCh37 (hg19) VCF-style: chr9-133914318-C-T.
Identifiers: ClinVar variation 740288 (VCV000740288.11), dbSNP rs150931475, ClinGen allele CA5286921.
Genomic context (GRCh38, chr9:131,038,931, plus strand): 5'-CTGCAGTGGCCGCTCCGAGGAATGCACGTTTGATCGGGAGCTCTTCCGCAGCACAGGCCA[C>T]GGCGGGCGCTGTCACCACTGCCGTGACCACACAGCTGGGCCACACTGTGAGCGCTGTCAG-3'
Protein context (NP_006050.3, residues 338-358): FDRELFRSTG[His348=]GGRCHHCRDH